The following is an entry in ClinVar:

NM_006502.3(POLH):c.43G>C (p.Asp15His)

Gene: POLH (DNA polymerase eta; plus strand). Cytogenetic location: 6p21.1.
Variant type: single nucleotide variant.
Coding change: c.43G>C on transcript NM_006502.3 (MANE Select); coding-DNA position 43, G replaced by C.
Protein change: p.Asp15His; replaces aspartic acid 15 with histidine.
Molecular consequence: missense variant. On other transcripts: intron variant (1).
Genome position (GRCh38, 1-based): chr6:43,582,362, G>C. VCF-style: chr6-43582362-G-C. GRCh37 (hg19) VCF-style: chr6-43550099-G-C.
Other names: c.43G>C, p.Asp15His (NM_001291970.2); c.-17-645G>C (NM_001291969.2); short protein forms D15H.
Identifiers: ClinVar variation 4530885 (VCV004530885.1).

ClinVar aggregate classification (germline): Uncertain significance (1 of 4 stars; one submission).

gnomAD v4.1: 2 of 1,614,124 alleles (0.00012%); highest among the groups gnomAD compares: African/African-American, 0.0013%; no homozygotes.

Submission:

GeneDx
Classification: Uncertain significance. Last evaluated: 2025-05-21. Review status: criteria provided, single submitter. Criteria: GeneDx Variant Classification Process June 2021. Collection method: clinical testing. Allele origin: germline. Affected: yes.
Comment: Not observed at significant frequency in large population cohorts (gnomAD); In silico analysis supports that this missense variant has a deleterious effect on protein structure/function; Has not been previously published as pathogenic or benign to our knowledge